The following is an entry in ClinVar:

NM_152703.5(SAMD9L):c.3595G>C (p.Gly1199Arg)

Gene: SAMD9L (sterile alpha motif domain containing 9 like; minus strand). Cytogenetic location: 7q21.2.
Variant type: single nucleotide variant.
Coding change: c.3595G>C on transcript NM_152703.5 (MANE Select); coding-DNA position 3595, G replaced by C.
Protein change: p.Gly1199Arg; replaces glycine 1199 with arginine.
Molecular consequence: missense variant.
Genome position (GRCh38, 1-based): chr7:93,132,377, C>G on the plus strand (G>C on the coding strand, the complement: SAMD9L is on the minus strand). VCF-style: chr7-93132377-C-G. GRCh37 (hg19) VCF-style: chr7-92761690-C-G.
Other names: c.3595G>C, p.Gly1199Arg (NM_001303496.3, NM_001303497.3, NM_001303498.3 and 5 more transcripts); short protein forms G1199R.
Identifiers: ClinVar variation 4991852 (VCV004991852.1).
Genomic context (GRCh38, chr7:93,132,377, plus strand): 5'-TGTGGAAAAAGGGAGTGAGCTGAAGAATCTGGATAGTGTAAAGACCAACTTCTATTTCAC[C>G]CAAGAAACAAGCTGTGTTATACATGTCATATCGTCTCTGGGACTTCTGTGGTGACCAGTT-3'
Protein context (NP_689916.2, residues 1189-1209): YDMYNTACFL[Gly1199Arg]EIEVGLYTIQ

ClinVar aggregate classification (germline): Uncertain significance (1 of 4 stars; one submission).

Conditions:
SAMD9L-related disorder. Also called: SAMD9L-related condition; SAMD9L-related disorders.

Submission:

PreventionGenetics, part of Exact Sciences
Classification: Uncertain significance for SAMD9L-related condition. Last evaluated: 2026-04-07. Review status: criteria provided, single submitter. Criteria: ACMG Guidelines, 2015. Collection method: clinical testing. Allele origin: germline.
Comment: The SAMD9L c.3595G>C variant is predicted to result in the amino acid substitution p.Gly1199Arg. To our knowledge, this variant has not been reported in the literature or in a large population database (gnomAD), indicating this variant is rare. At this time, the clinical significance of this variant is uncertain due to the absence of conclusive functional and genetic evidence.